The following is an entry in ClinVar:

ClinVar aggregate classification (germline): Pathogenic (0 of 4 stars; one submission).

Conditions:
Citrullinemia. Identifiers: Orphanet 187, MedGen C0175683, MONDO:0015991.

Submission:

Clinical Genetics and Genomics Laboratory, Noor Shahriyar Hospital
Classification: Pathogenic for Citrullinemia. Last evaluated: 2022-03-04. Review status: no assertion criteria provided. Collection method: clinical testing. Allele origin: biparental. Affected: yes.
Comment: The NM_054012 c.440T>C, is a missense variant in ASS1 which resulted in CTLN1 in a homozygote state; is considered Pathogenic by considering Clinical Data and Computational Prediction.

Variant c.440T>C (in ASS1 gene) was first seen in persian population with CTLN1 (PMID:35433176)

Literature cited by the submitters: PubMed 35433176.

NM_054012.4(ASS1):c.440T>C (p.Met147Thr)

Gene: ASS1 (argininosuccinate synthase 1; plus strand). Cytogenetic location: 9q34.11.
Variant type: single nucleotide variant.
Coding change: c.440T>C on transcript NM_054012.4 (MANE Select); coding-DNA position 440, T replaced by C.
Protein change: p.Met147Thr; replaces methionine 147 with threonine.
Molecular consequence: missense variant.
Genome position (GRCh38, 1-based): chr9:130,466,744, T>C. VCF-style: chr9-130466744-T-C. GRCh37 (hg19) VCF-style: chr9-133342131-T-C.
Other names: c.440T>C, p.Met147Thr (NM_000050.4); short protein forms M147T.
Identifiers: ClinVar variation 3384167 (VCV003384167.1).